The following is an entry in ClinVar:

NM_201596.3(CACNB2):c.1018G>A (p.Ala340Thr)

Gene: CACNB2 (calcium voltage-gated channel auxiliary subunit beta 2; plus strand). Cytogenetic location: 10p12.31.
Variant type: single nucleotide variant.
Coding change: c.1018G>A on transcript NM_201596.3 (MANE Select); coding-DNA position 1018, G replaced by A.
Protein change: p.Ala340Thr; replaces alanine 340 with threonine.
Molecular consequence: missense variant.
Genome position (GRCh38, 1-based): chr10:18,527,661, G>A. VCF-style: chr10-18527661-G-A. GRCh37 (hg19) VCF-style: chr10-18816590-G-A.
Other names: c.853G>A, p.Ala285Thr (NM_000724.4); c.820G>A, p.Ala274Thr (NM_001167945.2); c.739G>A, p.Ala247Thr (NM_001330060.2); c.874G>A, p.Ala292Thr (NM_201570.3); c.934G>A, p.Ala312Thr (NM_201571.4); c.862G>A, p.Ala288Thr (NM_201572.4); c.856G>A, p.Ala286Thr (NM_201590.3); c.904G>A, p.Ala302Thr (NM_201593.3); and 1 more; short protein forms A286T, A340T, A288T, A312T, A247T, A274T, A285T, A292T.
Identifiers: ClinVar variation 573799 (VCV000573799.10), dbSNP rs140614930, ClinGen allele CA5429872.

ClinVar aggregate classification (germline): Conflicting classifications of pathogenicity. Review status: criteria provided, conflicting classifications (1 of 4 stars). 3 submissions from 3 submitters: Uncertain significance (2); Likely benign (1). Last evaluated 2023-01-26.

Conditions:
Cardiovascular phenotype. Identifiers: MedGen CN230736.
Brugada syndrome 4 (BRGDA4). Identifiers: Orphanet 130, MedGen C2678477, MONDO:0012743, OMIM 611876.

Allele frequency attached by ClinVar (database versions not stated): ExAC 0.00002; gnomAD exomes 0.00002; gnomAD 0.00006; TOPMed 0.00010; ESP Exome Variant Server 0.00015.
gnomAD v4.1: 19 of 1,613,530 alleles (0.0012%); highest among the groups gnomAD compares: African/African-American, 0.017%; no homozygotes.

Submissions (3):

Labcorp Genetics (formerly Invitae), Labcorp
Classification: Uncertain significance for Brugada syndrome 4. Last evaluated: 2023-01-26. Review status: criteria provided, single submitter. Criteria: Invitae Variant Classification Sherloc (09022015). Collection method: clinical testing. Allele origin: germline.
Comment: In summary, the available evidence is currently insufficient to determine the role of this variant in disease. Therefore, it has been classified as a Variant of Uncertain Significance. Advanced modeling of protein sequence and biophysical properties (such as structural, functional, and spatial information, amino acid conservation, physicochemical variation, residue mobility, and thermodynamic stability) performed at Invitae indicates that this missense variant is not expected to disrupt CACNB2 protein function. ClinVar contains an entry for this variant (Variation ID: 573799). This variant has not been reported in the literature in individuals affected with CACNB2-related conditions. This variant is present in population databases (rs140614930, gnomAD 0.01%). This sequence change replaces alanine, which is neutral and non-polar, with threonine, which is neutral and polar, at codon 286 of the CACNB2 protein (p.Ala286Thr).

Ambry Genetics
Classification: Likely benign for Cardiovascular phenotype. Last evaluated: 2022-06-28. Review status: criteria provided, single submitter. Criteria: Ambry Variant Classification Scheme 2023. Collection method: clinical testing. Allele origin: germline.

Fulgent Genetics
Classification: Uncertain significance for Brugada syndrome 4. Last evaluated: 2021-09-22. Review status: criteria provided, single submitter. Criteria: ACMG Guidelines, 2015. Collection method: clinical testing. Allele origin: unknown.